The following is an entry in ClinVar:

NM_001164665.2(KIAA1549):c.1477C>G (p.Leu493Val)

Gene: KIAA1549 (KIAA1549; minus strand). Cytogenetic location: 7q34.
Variant type: single nucleotide variant.
Coding change: c.1477C>G on transcript NM_001164665.2 (MANE Select); coding-DNA position 1477, C replaced by G.
Protein change: p.Leu493Val; replaces leucine 493 with valine.
Molecular consequence: missense variant.
Genome position (GRCh38, 1-based): chr7:138,918,149, G>C on the plus strand (C>G on the coding strand, the complement: KIAA1549 is on the minus strand). VCF-style: chr7-138918149-G-C. GRCh37 (hg19) VCF-style: chr7-138602895-G-C.
Other names: c.1477C>G, p.Leu493Val (NM_020910.3); short protein forms L493V.
Identifiers: ClinVar variation 943030 (VCV000943030.9), dbSNP rs537387549, ClinGen allele CA4506716.
Genomic context (GRCh38, chr7:138,918,149, plus strand): 5'-TATCCACCTCGGCAGAAATGCCAACACTCGTCTCTGAGATTTCCATGGATCTAGAAGAAA[G>C]TGGGACGATAGGTCTGGAGGGGAAAAGCGTATTAAATACTTGAGGATCTTCCTCAAATTC-3'
Protein context (NP_001158137.1, residues 483-503): TLFPSRPIVP[Leu493Val]SSRSMEISET

ClinVar aggregate classification (germline): Uncertain significance. Review status: criteria provided, multiple submitters, no conflicts (2 of 4 stars). 3 submissions from 3 submitters: Uncertain significance (3). Last evaluated 2025-06-03.

Conditions:
Retinal dystrophy. Also called: Inherited retinal dystrophy. Identifiers: Orphanet 71862, MedGen C0854723, MeSH D058499, MONDO:0019118, HP:0000556.
Inborn genetic diseases. Identifiers: MedGen C0950123, MeSH D030342.

Allele frequency attached by ClinVar (database versions not stated): gnomAD exomes 0.00002 and 0.00005; 1000 Genomes Project 0.00020; ExAC 0.00007; 1000 Genomes Project 30x 0.00016; TOPMed 0.00001; gnomAD 0.00001.
gnomAD v4.1: 27 of 1,614,024 alleles (0.0017%); highest among the groups gnomAD compares: East Asian, 0.058%; no homozygotes.

Submissions (3):

Ambry Genetics
Classification: Uncertain significance for Inborn genetic diseases. Last evaluated: 2025-06-03. Review status: criteria provided, single submitter. Criteria: Ambry Variant Classification Scheme 2023. Collection method: clinical testing. Allele origin: germline.

Dept Of Ophthalmology, Nagoya University
Classification: Uncertain significance for Retinal dystrophy. Last evaluated: 2023-10-01. Review status: criteria provided, single submitter. Criteria: Submitter's publication. Collection method: research. Allele origin: germline. Affected: yes.

Labcorp Genetics (formerly Invitae), Labcorp
Classification: Uncertain significance. Last evaluated: 2022-02-09. Review status: criteria provided, single submitter. Criteria: Invitae Variant Classification Sherloc (09022015). Collection method: clinical testing. Allele origin: germline.
Comment: This sequence change replaces leucine, which is neutral and non-polar, with valine, which is neutral and non-polar, at codon 493 of the KIAA1549 protein (p.Leu493Val). This variant is present in population databases (rs537387549, gnomAD 0.07%). This variant has not been reported in the literature in individuals affected with KIAA1549-related conditions. ClinVar contains an entry for this variant (Variation ID: 943030). Algorithms developed to predict the effect of missense changes on protein structure and function are either unavailable or do not agree on the potential impact of this missense change (SIFT: "Tolerated"; PolyPhen-2: "Possibly Damaging"; Align-GVGD: "Class C0"). Algorithms developed to predict the effect of sequence changes on RNA splicing suggest that this variant may create or strengthen a splice site. In summary, the available evidence is currently insufficient to determine the role of this variant in disease. Therefore, it has been classified as a Variant of Uncertain Significance.